The following is an entry in ClinVar:

ClinVar aggregate classification (germline): Uncertain significance (1 of 4 stars; one submission).

Conditions:
Inborn genetic diseases. Identifiers: MedGen C0950123, MeSH D030342.

gnomAD v4.1: 1 of 1,613,766 alleles (0.000062%); highest among the groups gnomAD compares: South Asian, 0.0011%; no homozygotes.

Submission:

Ambry Genetics
Classification: Uncertain significance for Inborn genetic diseases. Last evaluated: 2025-06-22. Review status: criteria provided, single submitter. Criteria: Ambry Variant Classification Scheme 2023. Collection method: clinical testing. Allele origin: germline.
Comment: The p.E1622V variant (also known as c.4865A>T), located in coding exon 20 of the FANCM gene, results from an A to T substitution at nucleotide position 4865. The glutamic acid at codon 1622 is replaced by valine, an amino acid with dissimilar properties. This amino acid position is conserved. In addition, the in silico prediction for this alteration is inconclusive. Based on the available evidence, the clinical significance of this variant remains unclear.

NM_020937.4(FANCM):c.4865A>T (p.Glu1622Val)

Gene: FANCM (FA complementation group M; plus strand). Cytogenetic location: 14q21.2.
Variant type: single nucleotide variant.
Coding change: c.4865A>T on transcript NM_020937.4 (MANE Select); coding-DNA position 4865, A replaced by T.
Protein change: p.Glu1622Val; replaces glutamic acid 1622 with valine.
Molecular consequence: missense variant.
Genome position (GRCh38, 1-based): chr14:45,188,887, A>T. VCF-style: chr14-45188887-A-T. GRCh37 (hg19) VCF-style: chr14-45658090-A-T.
Other names: c.4787A>T, p.Glu1596Val (NM_001308133.2); short protein forms E1622V, E1596V.
Identifiers: ClinVar variation 4254533 (VCV004254533.1).